The following is an entry in ClinVar:

NM_004523.4(KIF11):c.406A>T (p.Ile136Phe)

Gene: KIF11 (kinesin family member 11; plus strand). Cytogenetic location: 10q23.33.
Variant type: single nucleotide variant.
Coding change: c.406A>T on transcript NM_004523.4 (MANE Select); coding-DNA position 406, A replaced by T.
Protein change: p.Ile136Phe; replaces isoleucine 136 with phenylalanine.
Molecular consequence: missense variant.
Genome position (GRCh38, 1-based): chr10:92,609,038, A>T. VCF-style: chr10-92609038-A-T. GRCh37 (hg19) VCF-style: chr10-94368795-A-T.
Other names: short protein forms I136F.
Identifiers: ClinVar variation 1712207 (VCV001712207.2), dbSNP rs2492480758, ClinGen allele CA377589256.
Genomic context (GRCh38, chr10:92,609,038, plus strand): 5'-AATGGCATTCTTCCTTTATATTAGTCCTTATTATAATTTCAGGATCCCTTGGCTGGTATA[A>T]TTCCACGTACCCTTCATCAAATTTTTGAGAAACTTACTGATAATGGTACTGAATTTTCAG-3'
Protein context (NP_004514.2, residues 126-146): TWEEDPLAGI[Ile136Phe]PRTLHQIFEK

ClinVar aggregate classification (germline): Uncertain significance (1 of 4 stars; one submission).

Submission:

GeneDx
Classification: Uncertain significance. Last evaluated: 2023-02-10. Review status: criteria provided, single submitter. Criteria: GeneDx Variant Classification Process June 2021. Collection method: clinical testing. Allele origin: germline. Affected: yes.
Comment: Not observed at significant frequency in large population cohorts (gnomAD); In silico analysis supports that this missense variant has a deleterious effect on protein structure/function; Has not been previously published as pathogenic or benign to our knowledge